The following is an entry in ClinVar:

ClinVar aggregate classification (germline): Uncertain significance (1 of 4 stars; one submission).

Conditions:
Severe myoclonic epilepsy in infancy (DRVT). Also called: SEVERE MYOCLONIC EPILEPSY OF INFANCY; Dravet syndrome; Epileptic encephalopathy, early infantile, 6 (Dravet syndrome); DEVELOPMENTAL AND EPILEPTIC ENCEPHALOPATHY 6A; Severe Myoclonic Epilepsy in Infancy (SMEI). Identifiers: Orphanet 33069, MedGen C0751122, MONDO:0100135, OMIM 607208.

Submission:

3billion
Classification: Uncertain significance for Severe myoclonic epilepsy in infancy. Last evaluated: 2025-07-15. Review status: criteria provided, single submitter. Criteria: ACMG Guidelines, 2015. Collection method: clinical testing. Allele origin: germline. Affected: yes.
Comment: The variant is not observed in the gnomAD v4.1.0 dataset. Predicted Consequence/Location: Missense variant In silico tool predictions suggest damaging effect of the variant on gene or gene product [REVEL: 0.90 (>=0.6, sensitivity 0.68 and specificity 0.92); 3Cnet: 0.97 (> 0.75, sensitivity 0.96 and precision 0.92)]. Different missense changes at the same codon (p.His127Leu, p.His127Pro, p.His127Tyr) have been reported as pathogenic/likely pathogenic with strong evidence (ClinVar ID: VCV000190002, VCV000582634 /PMID: 26096185, 27465585, 32593896). Therefore, this variant is classified as VUS according to the recommendation of ACMG/AMP guideline.

Literature cited by the submitters: PubMed 26096185.

NM_001165963.4(SCN1A):c.380A>G (p.His127Arg)

Gene: SCN1A (sodium voltage-gated channel alpha subunit 1; minus strand). Cytogenetic location: 2q24.3.
Variant type: single nucleotide variant.
Coding change: c.380A>G on transcript NM_001165963.4 (MANE Select); coding-DNA position 380, A replaced by G.
Protein change: p.His127Arg; replaces histidine 127 with arginine.
Molecular consequence: missense variant. On other transcripts: 5 prime UTR variant (1), non-coding transcript variant (1).
Genome position (GRCh38, 1-based): chr2:166,058,573, T>C on the plus strand (A>G on the coding strand, the complement: SCN1A is on the minus strand). VCF-style: chr2-166058573-T-C. GRCh37 (hg19) VCF-style: chr2-166915083-T-C.
Other names: c.380A>G, p.His127Arg (NM_001353960.2, NM_006920.6, NM_001165964.3 and 10 more transcripts); c.-2046A>G (NM_001353961.2); short protein forms H127R.
Identifiers: ClinVar variation 4855006 (VCV004855006.1).